The following is an entry in ClinVar:

ClinVar aggregate classification (germline): Uncertain significance. Review status: criteria provided, multiple submitters, no conflicts (2 of 4 stars). 2 submissions from 2 submitters: Uncertain significance (2). Last evaluated 2022-10-07.

Conditions:
Episodic ataxia type 2 (EA2). Also called: ATAXIA, EPISODIC, WITH NYSTAGMUS; ATAXIA, FAMILIAL PAROXYSMAL; CEREBELLAR ATAXIA, PAROXYSMAL, ACETAZOLAMIDE-RESPONSIVE; CEREBELLOPATHY, HEREDITARY PAROXYSMAL; EPISODIC ATAXIA, NYSTAGMUS-ASSOCIATED; ACETAZOLAMIDE-RESPONSIVE HEREDITARY PAROXYSMAL CEREBELLAR ATAXIA. Identifiers: Orphanet 97, MedGen C1720416, MONDO:0007163, OMIM 108500.
Developmental and epileptic encephalopathy, 42 (DEE42A). Also called: Epileptic encephalopathy, early infantile, 42; DEVELOPMENTAL AND EPILEPTIC ENCEPHALOPATHY 42A; EPILEPTIC ENCEPHALOPATHY, EARLY INFANTILE, 42A. Identifiers: MedGen C4310716, MONDO:0014917, OMIM 617106.

Submissions (2):

Labcorp Genetics (formerly Invitae), Labcorp
Classification: Uncertain significance for Developmental and epileptic encephalopathy, 42; Episodic ataxia type 2. Last evaluated: 2022-10-07. Review status: criteria provided, single submitter. Criteria: Invitae Variant Classification Sherloc (09022015). Collection method: clinical testing. Allele origin: germline.
Comment: ClinVar contains an entry for this variant (Variation ID: 1313804). In summary, the available evidence is currently insufficient to determine the role of this variant in disease. Therefore, it has been classified as a Variant of Uncertain Significance. Advanced modeling of protein sequence and biophysical properties (such as structural, functional, and spatial information, amino acid conservation, physicochemical variation, residue mobility, and thermodynamic stability) performed at Invitae indicates that this missense variant is not expected to disrupt CACNA1A protein function. This variant has not been reported in the literature in individuals affected with CACNA1A-related conditions. This variant is not present in population databases (gnomAD no frequency). This sequence change replaces arginine, which is basic and polar, with proline, which is neutral and non-polar, at codon 832 of the CACNA1A protein (p.Arg832Pro).

GeneDx
Classification: Uncertain significance. Last evaluated: 2021-01-11. Review status: criteria provided, single submitter. Criteria: GeneDx Variant Classification Process June 2021. Collection method: clinical testing. Allele origin: germline. Affected: yes.
Comment: Not observed in large population cohorts (Lek et al., 2016); In silico analysis supports that this missense variant does not alter protein structure/function; Has not been previously published as pathogenic or benign to our knowledge

NM_001127222.2(CACNA1A):c.2492G>C (p.Arg831Pro)

Gene: CACNA1A (calcium voltage-gated channel subunit alpha1 A; minus strand). Cytogenetic location: 19p13.13.
Variant type: single nucleotide variant.
Coding change: c.2492G>C on transcript NM_001127222.2 (MANE Select); coding-DNA position 2492, G replaced by C.
Protein change: p.Arg831Pro; replaces arginine 831 with proline.
Molecular consequence: missense variant.
Genome position (GRCh38, 1-based): chr19:13,299,141, C>G on the plus strand (G>C on the coding strand, the complement: CACNA1A is on the minus strand). VCF-style: chr19-13299141-C-G. GRCh37 (hg19) VCF-style: chr19-13409955-C-G.
Other names: c.2504G>C, p.Arg835Pro (NM_000068.4, NM_023035.3); c.2495G>C, p.Arg832Pro (NM_001127221.2, NM_001174080.2); short protein forms R831P, R832P, R835P.
Identifiers: ClinVar variation 1313804 (VCV001313804.6), dbSNP rs1242675074, ClinGen allele CA404343335.
Genomic context (GRCh38, chr19:13,299,141, plus strand): 5'-TGGCCGAGGCGCTGGTCCACGGTGGGCTCGGCCGCCCGGCTCTTGTTGGTGTTGTTGTTG[C>G]GGTTCTCCTGCGGGTCCACCACCAGCGGCCGGTCCAAGTGCGTCTTCATGTCTGGCCGCA-3'
Protein context (NP_001120694.1, residues 821-841): RPLVVDPQEN[Arg831Pro]NNNTNKSRAA